The following is an entry in ClinVar:

NM_001734.5(C1S):c.370G>A (p.Ala124Thr)

Gene: C1S (complement C1s; plus strand). Cytogenetic location: 12p13.31.
Variant type: single nucleotide variant.
Coding change: c.370G>A on transcript NM_001734.5 (MANE Select); coding-DNA position 370, G replaced by A.
Protein change: p.Ala124Thr; replaces alanine 124 with threonine.
Molecular consequence: missense variant. On other transcripts: 5 prime UTR variant (1).
Genome position (GRCh38, 1-based): chr12:7,063,046, G>A. VCF-style: chr12-7063046-G-A. GRCh37 (hg19) VCF-style: chr12-7170350-G-A.
Other names: c.-132G>A (NM_001346850.2); c.370G>A, p.Ala124Thr (NM_201442.4); short protein forms A124T.
Identifiers: ClinVar variation 2836855 (VCV002836855.3), dbSNP rs2135721725, ClinGen allele CA383689814.

ClinVar aggregate classification (germline): Uncertain significance (1 of 4 stars; one submission).

Allele frequency attached by ClinVar (database versions not stated): gnomAD exomes below 0.00001.
gnomAD v4.1: 1 of 1,613,706 alleles (0.000062%); highest among the groups gnomAD compares: Non-Finnish European, 0.000085%; no homozygotes.

Submission:

Labcorp Genetics (formerly Invitae), Labcorp
Classification: Uncertain significance. Last evaluated: 2023-02-14. Review status: criteria provided, single submitter. Criteria: Invitae Variant Classification Sherloc (09022015). Collection method: clinical testing. Allele origin: germline.
Comment: This sequence change replaces alanine, which is neutral and non-polar, with threonine, which is neutral and polar, at codon 124 of the C1S protein (p.Ala124Thr). This variant has not been reported in the literature in individuals affected with C1S-related conditions. This variant is not present in population databases (gnomAD no frequency). In summary, the available evidence is currently insufficient to determine the role of this variant in disease. Therefore, it has been classified as a Variant of Uncertain Significance. Algorithms developed to predict the effect of missense changes on protein structure and function (SIFT, PolyPhen-2, Align-GVGD) all suggest that this variant is likely to be disruptive.